The following is an entry in ClinVar:

NM_018130.3(SHQ1):c.1004G>A (p.Arg335His)

Gene: SHQ1 (SHQ1, H/ACA ribonucleoprotein assembly factor; minus strand). Cytogenetic location: 3p13.
Variant type: single nucleotide variant.
Coding change: c.1004G>A on transcript NM_018130.3 (MANE Select); coding-DNA position 1004, G replaced by A.
Protein change: p.Arg335His; replaces arginine 335 with histidine.
Molecular consequence: missense variant.
Genome position (GRCh38, 1-based): chr3:72,812,727, C>T on the plus strand (G>A on the coding strand, the complement: SHQ1 is on the minus strand). VCF-style: chr3-72812727-C-T. GRCh37 (hg19) VCF-style: chr3-72861878-C-T.
Other names: short protein forms R335H.
Identifiers: ClinVar variation 4292311 (VCV004292311.1).

ClinVar aggregate classification (germline): Uncertain significance (1 of 4 stars; one submission).

Conditions:
Neurodevelopmental disorder with dystonia and seizures (NEDDS). Identifiers: MedGen C5677004, MONDO:0859258, OMIM 619922.

gnomAD v4.1: 8 of 1,613,924 alleles (0.0005%); highest among the groups gnomAD compares: East Asian, 0.0045%; no homozygotes.

Submission:

3billion
Classification: Uncertain significance for Neurodevelopmental disorder with dystonia and seizures. Last evaluated: 2025-01-06. Review status: criteria provided, single submitter. Criteria: ACMG Guidelines, 2015. Collection method: clinical testing. Allele origin: germline. Affected: yes.
Comment: The variant is observed at an extremely low frequency in the gnomAD v4.1.0 dataset (total allele frequency: <0.001%). Predicted Consequence/Location: Missense variant In silico tool predictions suggest damaging effect of the variant on gene or gene product [REVEL: 0.88 (>=0.6, sensitivity 0.68 and specificity 0.92); 3Cnet: 0.67 (>=0.6, sensitivity 0.72 and precision 0.9)]. Therefore, this variant is classified as VUS according to the recommendation of ACMG/AMP guideline.